The following is an entry in ClinVar:

NM_002528.7(NTHL1):c.26T>G (p.Leu9Arg)

Gene: NTHL1 (nth like DNA glycosylase 1; minus strand). Cytogenetic location: 16p13.3.
Variant type: single nucleotide variant.
Coding change: c.26T>G on transcript NM_002528.7 (MANE Select); coding-DNA position 26, T replaced by G.
Protein change: p.Leu9Arg; replaces leucine 9 with arginine.
Molecular consequence: missense variant. On other transcripts: 5 prime UTR variant (1).
Genome position (GRCh38, 1-based): chr16:2,047,798, A>C on the plus strand (T>G on the coding strand, the complement: NTHL1 is on the minus strand). VCF-style: chr16-2047798-A-C. GRCh37 (hg19) VCF-style: chr16-2097799-A-C.
Other names: c.26T>G, p.Leu9Arg (NM_001318193.2); c.-153T>G (NM_001318194.2); short protein forms L9R.
Identifiers: ClinVar variation 1052267 (VCV001052267.7), dbSNP rs1596228259, ClinGen allele CA394298583.

ClinVar aggregate classification (germline): Uncertain significance (1 of 4 stars; one submission).

Submission:

Labcorp Genetics (formerly Invitae), Labcorp
Classification: Uncertain significance. Last evaluated: 2020-08-26. Review status: criteria provided, single submitter. Criteria: Invitae Variant Classification Sherloc (09022015). Collection method: clinical testing. Allele origin: germline.
Comment: This sequence change replaces leucine with arginine at codon 17 of the NTHL1 protein (p.Leu17Arg). The leucine residue is weakly conserved and there is a moderate physicochemical difference between leucine and arginine. This variant is not present in population databases (ExAC no frequency). This variant has not been reported in the literature in individuals with NTHL1-related conditions. Algorithms developed to predict the effect of missense changes on protein structure and function are either unavailable or do not agree on the potential impact of this missense change (SIFT: "Not Available"; PolyPhen-2: "Benign"; Align-GVGD: "Not Available"). In summary, the available evidence is currently insufficient to determine the role of this variant in disease. Therefore, it has been classified as a Variant of Uncertain Significance.